The following is an entry in ClinVar:

ClinVar aggregate classification (germline): Pathogenic/Likely pathogenic. Review status: criteria provided, multiple submitters, no conflicts (2 of 4 stars). 2 submissions from 2 submitters: Pathogenic (1); Likely pathogenic (1). Last evaluated 2026-01-06.

Allele frequency attached by ClinVar (database versions not stated): gnomAD exomes 0.00001; gnomAD 0.00001; ExAC 0.00002; TOPMed 0.00002.

Submissions (2):

Labcorp Genetics (formerly Invitae), Labcorp
Classification: Pathogenic. Last evaluated: 2026-01-06. Review status: criteria provided, single submitter. Criteria: Invitae Variant Classification Sherloc (09022015). Collection method: clinical testing. Allele origin: germline.
Comment: This sequence change creates a premature translational stop signal (p.Arg268*) in the SPTA1 gene. It is expected to result in an absent or disrupted protein product. Loss-of-function variants in SPTA1 are known to be pathogenic (PMID: 9192783, 18815189, 31333484, 31723846, 32266426). This variant is present in population databases (rs764157190, gnomAD 0.01%). This premature translational stop signal has been observed in individual(s) with hemolytic anemia (PMID: 28102861). ClinVar contains an entry for this variant (Variation ID: 2433754). For these reasons, this variant has been classified as Pathogenic.

Revvity Omics, Revvity
Classification: Likely pathogenic. Last evaluated: 2025-06-05. Review status: criteria provided, single submitter. Criteria: ACMG Guidelines, 2015. Collection method: clinical testing. Allele origin: germline.

Literature cited by the submitters: PubMed 9192783 (cited by Labcorp Genetics (formerly Invitae), Labcorp); PubMed 18815189 (cited by Labcorp Genetics (formerly Invitae), Labcorp); PubMed 31333484 (cited by Labcorp Genetics (formerly Invitae), Labcorp); PubMed 31723846 (cited by Labcorp Genetics (formerly Invitae), Labcorp); PubMed 32266426 (cited by Labcorp Genetics (formerly Invitae), Labcorp); PubMed 28102861 (cited by Labcorp Genetics (formerly Invitae), Labcorp).

NM_003126.4(SPTA1):c.802C>T (p.Arg268Ter)

Gene: SPTA1 (spectrin alpha, erythrocytic 1; minus strand). Cytogenetic location: 1q23.1.
Variant type: single nucleotide variant.
Coding change: c.802C>T on transcript NM_003126.4 (MANE Select); coding-DNA position 802, C replaced by T.
Protein change: p.Arg268Ter; replaces arginine 268 with a stop codon.
Molecular consequence: nonsense.
Genome position (GRCh38, 1-based): chr1:158,678,411, G>A on the plus strand (C>T on the coding strand, the complement: SPTA1 is on the minus strand). VCF-style: chr1-158678411-G-A. GRCh37 (hg19) VCF-style: chr1-158648201-G-A.
Other names: short protein forms R268*.
Identifiers: ClinVar variation 2433754 (VCV002433754.5), dbSNP rs764157190, ClinGen allele CA1184031.